The following is an entry in ClinVar:

ClinVar aggregate classification (germline): Conflicting classifications of pathogenicity. Review status: criteria provided, conflicting classifications (1 of 4 stars). 5 submissions from 5 submitters: Uncertain significance (2); Likely benign (1). 2 of the submissions do not count toward it. Last evaluated 2024-11-11.

Conditions:
Inborn genetic diseases. Identifiers: MedGen C0950123, MeSH D030342.

Allele frequency attached by ClinVar (database versions not stated): ExAC 0.00008; ESP Exome Variant Server 0.00008; gnomAD exomes 0.00009 and 0.00010; gnomAD 0.00011; TOPMed 0.00011.
gnomAD v4.1: 169 of 1,613,082 alleles (0.01%); highest among the groups gnomAD compares: Non-Finnish European, 0.0086%; no homozygotes.

Submissions (5):

Blueprint Genetics
Classification: Likely benign. Last evaluated: 2024-11-11. Review status: criteria provided, single submitter. Criteria: ACMG Guidelines, 2015. Collection method: clinical testing. Allele origin: germline.

CeGaT Center for Human Genetics Tuebingen
Classification: Uncertain significance. Last evaluated: 2024-01-01. Review status: criteria provided, single submitter. Criteria: CeGaT Center For Human Genetics Tuebingen Variant Classification Criteria Version 2. Collection method: clinical testing. Allele origin: germline. Affected: yes. Observed: 1 variant allele.
Comment: CCDC88C: PM2, BP4

Ambry Genetics
Classification: Uncertain significance for Inborn genetic diseases. Last evaluated: 2021-04-28. Review status: criteria provided, single submitter. Criteria: Ambry Variant Classification Scheme 2023. Collection method: clinical testing. Allele origin: germline.

Clinical Genetics DNA and cytogenetics Diagnostics Lab, Erasmus MC, Erasmus Medical Center
Classification: Likely benign. Review status: no assertion criteria provided. Collection method: clinical testing. Allele origin: germline. Affected: yes. Study: VKGL Data-share Consensus. Not counted in ClinVar's aggregate classification.

Laboratory of Diagnostic Genome Analysis, Leiden University Medical Center (LUMC)
Classification: Likely benign. Review status: no assertion criteria provided. Collection method: clinical testing. Allele origin: germline. Affected: yes. Study: VKGL Data-share Consensus. Not counted in ClinVar's aggregate classification.

NM_001080414.4(CCDC88C):c.4412G>A (p.Arg1471His)

Gene: CCDC88C (coiled-coil and HOOK domain protein 88C; minus strand). Cytogenetic location: 14q32.11.
Variant type: single nucleotide variant.
Coding change: c.4412G>A on transcript NM_001080414.4 (MANE Select); coding-DNA position 4412, G replaced by A.
Protein change: p.Arg1471His; replaces arginine 1471 with histidine.
Molecular consequence: missense variant.
Genome position (GRCh38, 1-based): chr14:91,289,134, C>T on the plus strand (G>A on the coding strand, the complement: CCDC88C is on the minus strand). VCF-style: chr14-91289134-C-T. GRCh37 (hg19) VCF-style: chr14-91755478-C-T.
Other names: c.4412G>A (NM_001080414.3); short protein forms R1471H.
Identifiers: ClinVar variation 1206075 (VCV001206075.28), dbSNP rs201606038, ClinGen allele CA7309018.